The following is an entry in ClinVar:

NM_178857.6(RP1L1):c.2257T>C (p.Ser753Pro)

Gene: RP1L1 (RP1 like 1). Cytogenetic location: 8p23.1.
Variant type: single nucleotide variant.
Coding change: c.2257T>C on transcript NM_178857.6 (MANE Select); coding-DNA position 2257, T replaced by C.
Protein change: p.Ser753Pro; replaces serine 753 with proline.
Molecular consequence: missense variant.
Genome position (GRCh38, 1-based): chr8:10,611,841, A>G on the plus strand (T>C on the coding strand, the complement: RP1L1 is on the minus strand). VCF-style: chr8-10611841-A-G. GRCh37 (hg19) VCF-style: chr8-10469351-A-G.
Other names: c.2257T>C (NM_178857.5); short protein forms S753P.
Identifiers: ClinVar variation 4899310 (VCV004899310.2).
Genomic context (GRCh38, chr8:10,611,841, plus strand): 5'-GCGAGCATGTCCTGGACCCCGCGTCCCCTGCCCACCCGGCAGAGGGAGCGTTGTGCGGGG[A>G]GACTCCAGAAACAAAATCCGAGTGGACTGCAGGGGTGACAGTGGCACTGCTGGTTCCCAG-3'
Protein context (NP_849188.4, residues 743-763): AVHSDFVSGV[Ser753Pro]PHNAPSAGWA

ClinVar aggregate classification (germline): Likely benign. Review status: criteria provided, multiple submitters, no conflicts (2 of 4 stars). 2 submissions from 2 submitters: Likely benign (2). Last evaluated 2025-09-05.

Conditions:
RP1L1-related disorder. Also called: RP1L1-related condition.

gnomAD v4.1: 373 of 1,613,716 alleles (0.023%); highest among the groups gnomAD compares: South Asian, 0.39%; 10 homozygotes.

Submissions (2):

PreventionGenetics, part of Exact Sciences
Classification: Likely benign for RP1L1-related condition. Last evaluated: 2025-09-05. Review status: criteria provided, single submitter. Criteria: ACMG Guidelines, 2015. Collection method: clinical testing. Allele origin: germline.
Comment: This variant is classified as likely benign based on ACMG/AMP sequence variant interpretation guidelines (Richards et al. 2015 PMID: 25741868, with internal and published modifications).

Blueprint Genetics
Classification: Likely benign. Last evaluated: 2024-06-12. Review status: criteria provided, single submitter. Criteria: ACMG Guidelines, 2015. Collection method: clinical testing. Allele origin: germline.